The following is an entry in ClinVar:

NM_001261826.3(AP3D1):c.655C>T (p.Leu219=)

Gene: AP3D1 (adaptor related protein complex 3 subunit delta 1; minus strand). Cytogenetic location: 19p13.3.
Variant type: single nucleotide variant.
Coding change: c.655C>T on transcript NM_001261826.3 (MANE Select); coding-DNA position 655, C replaced by T.
Protein change: p.Leu219=; no amino-acid change (leucine 219 retained).
Molecular consequence: synonymous variant.
Genome position (GRCh38, 1-based): chr19:2,129,395, G>A on the plus strand (C>T on the coding strand, the complement: AP3D1 is on the minus strand). VCF-style: chr19-2129395-G-A. GRCh37 (hg19) VCF-style: chr19-2129394-G-A.
Other names: c.655C>T, p.Leu219= (NM_001374799.1, NM_003938.8).
Identifiers: ClinVar variation 710375 (VCV000710375.26), dbSNP rs199695826, ClinGen allele CA9059626.

ClinVar aggregate classification (germline): Benign/Likely benign. Review status: criteria provided, multiple submitters, no conflicts (2 of 4 stars). 4 submissions from 4 submitters: Benign (2); Likely benign (2). Last evaluated 2026-01-21.

Allele frequency attached by ClinVar (database versions not stated): 1000 Genomes Project 0.00020; 1000 Genomes Project 30x 0.00031; TOPMed 0.00085; gnomAD 0.00095 and 0.00098; gnomAD exomes 0.00117 and 0.00118; ESP Exome Variant Server 0.00147; ExAC 0.00156.
gnomAD v4.1: 1,873 of 1,614,156 alleles (0.12%); highest among the groups gnomAD compares: Non-Finnish European, 0.14%; 3 homozygotes.

Submissions (4):

Labcorp Genetics (formerly Invitae), Labcorp
Classification: Benign. Last evaluated: 2026-01-21. Review status: criteria provided, single submitter. Criteria: Invitae Variant Classification Sherloc (09022015). Collection method: clinical testing. Allele origin: germline.

CeGaT Center for Human Genetics Tuebingen
Classification: Likely benign. Last evaluated: 2025-01-01. Review status: criteria provided, single submitter. Criteria: CeGaT Center For Human Genetics Tuebingen Variant Classification Criteria Version 2. Collection method: clinical testing. Allele origin: germline. Affected: yes. Observed: 1 variant allele.
Comment: AP3D1: BP4, BP7

Blueprint Genetics
Classification: Likely benign. Last evaluated: 2024-11-15. Review status: criteria provided, single submitter. Criteria: ACMG Guidelines, 2015. Collection method: clinical testing. Allele origin: germline.

Breakthrough Genomics
Classification: Benign. Review status: criteria provided, single submitter. Criteria: ACMG Guidelines, 2015. Collection method: not provided. Allele origin: germline. Inheritance: Autosomal recessive inheritance. Affected: yes.